The following is an entry in ClinVar:

NM_000368.5(TSC1):c.-16G>A

Gene: TSC1 (TSC complex subunit 1; minus strand). Cytogenetic location: 9q34.13.
Variant type: single nucleotide variant.
Coding change: c.-16G>A on transcript NM_000368.5 (MANE Select); 16 bases upstream of the start codon, G replaced by A.
Molecular consequence: 5 prime UTR variant.
Genome position (GRCh38, 1-based): chr9:132,928,888, C>T on the plus strand (G>A on the coding strand, the complement: TSC1 is on the minus strand). VCF-style: chr9-132928888-C-T. GRCh37 (hg19) VCF-style: chr9-135804275-C-T.
Other names: c.-16G>A (NM_001162426.2, NM_001162427.2); c.-275G>A (NM_001362177.2).
Identifiers: ClinVar variation 64728 (VCV000064728.5), dbSNP rs114970627, ClinGen allele CA005224.

ClinVar aggregate classification (germline): Likely benign. Review status: criteria provided, multiple submitters, no conflicts (2 of 4 stars). 5 submissions from 5 submitters: Likely benign (4). 1 of the submissions does not count toward it. Last evaluated 2025-04-07.

Conditions:
Tuberous sclerosis syndrome (TSC). Also called: Tuberous Sclerosis Complex; Tuberous sclerosis. Identifiers: Orphanet 805, MedGen C0041341, MONDO:0001734.
Tuberous sclerosis 1 (TSC1). Identifiers: Orphanet 805, MedGen C1854465, MONDO:0008612, OMIM 191100.

Allele frequency attached by ClinVar (database versions not stated): TOPMed 0.00008; gnomAD 0.00010 and 0.00011; ESP Exome Variant Server 0.00015; 1000 Genomes Project 0.00040; 1000 Genomes Project 30x 0.00047.
gnomAD v4.1: 111 of 1,613,888 alleles (0.0069%); highest among the groups gnomAD compares: African/African-American, 0.013%; no homozygotes.

Submissions (5):

Myriad Genetics, Inc.
Classification: Likely benign for Tuberous sclerosis 1. Last evaluated: 2025-04-07. Review status: criteria provided, single submitter. Criteria: Myriad Autosomal Dominant, Autosomal Recessive and X-Linked Classification Criteria (2023). Collection method: clinical testing. Allele origin: unknown.
Comment: This variant is considered likely benign. This variant has been observed at a population frequency that is significantly greater than expected given the associated disease prevalence and penetrance.

Blueprint Genetics
Classification: Likely benign. Last evaluated: 2024-05-08. Review status: criteria provided, single submitter. Criteria: ACMG Guidelines, 2015. Collection method: clinical testing. Allele origin: germline.

KCCC/NGS Laboratory, Kuwait Cancer Control Center
Classification: Likely benign for Tuberous sclerosis 1. Last evaluated: 2023-07-07. Review status: criteria provided, single submitter. Criteria: ACMG Guidelines, 2015. Collection method: clinical testing. Allele origin: germline. Affected: yes.

GeneDx
Classification: Likely benign. Last evaluated: 2017-05-08. Review status: criteria provided, single submitter. Criteria: GeneDx Variant Classification (06012015). Collection method: clinical testing. Allele origin: germline. Affected: yes.
Comment: This variant is considered likely benign or benign based on one or more of the following criteria: it is a conservative change, it occurs at a poorly conserved position in the protein, it is predicted to be benign by multiple in silico algorithms, and/or has population frequency not consistent with disease.

Tuberous sclerosis database (TSC1)
No classification provided. Condition: TSC. Review status: no classification provided. Criteria: Tuberous Sclerosis Database Assertion Criteria 2015. Collection method: curation. Allele origin: germline. Affected: yes. Not counted in ClinVar's aggregate classification.